The following is an entry in ClinVar:

NM_052813.5(CARD9):c.1361G>A (p.Cys454Tyr)

Gene: CARD9 (caspase recruitment domain family member 9; minus strand). Cytogenetic location: 9q34.3.
Variant type: single nucleotide variant.
Coding change: c.1361G>A on transcript NM_052813.5 (MANE Select); coding-DNA position 1361, G replaced by A.
Protein change: p.Cys454Tyr; replaces cysteine 454 with tyrosine.
Molecular consequence: missense variant.
Genome position (GRCh38, 1-based): chr9:136,365,214, C>T on the plus strand (G>A on the coding strand, the complement: CARD9 is on the minus strand). VCF-style: chr9-136365214-C-T. GRCh37 (hg19) VCF-style: chr9-139259666-C-T.
Other names: c.1361G>A, p.Cys454Tyr (NM_052814.4); short protein forms C454Y.
Identifiers: ClinVar variation 1021548 (VCV001021548.9), dbSNP rs200189320, ClinGen allele CA5332665.

ClinVar aggregate classification (germline): Uncertain significance (1 of 4 stars; one submission).

Conditions:
Predisposition to invasive fungal disease due to CARD9 deficiency (IMD103). Also called: Candidiasis, familial, 2, autosomal recessive; CARD9 IMMUNODEFICIENCY; IMMUNODEFICIENCY 103, SUSCEPTIBILITY TO FUNGAL INFECTIONS. Identifiers: Orphanet 457088, MedGen C1859353, MONDO:0008905, OMIM 212050.

Allele frequency attached by ClinVar (database versions not stated): gnomAD 0.00001; gnomAD exomes 0.00001 and 0.00004; TOPMed 0.00001; ExAC 0.00003; 1000 Genomes Project 30x 0.00016; 1000 Genomes Project 0.00040.

Submission:

Labcorp Genetics (formerly Invitae), Labcorp
Classification: Uncertain significance for Predisposition to invasive fungal disease due to CARD9 deficiency. Last evaluated: 2022-09-01. Review status: criteria provided, single submitter. Criteria: Invitae Variant Classification Sherloc (09022015). Collection method: clinical testing. Allele origin: germline.
Comment: This variant has not been reported in the literature in individuals affected with CARD9-related conditions. In summary, the available evidence is currently insufficient to determine the role of this variant in disease. Therefore, it has been classified as a Variant of Uncertain Significance. Algorithms developed to predict the effect of missense changes on protein structure and function (SIFT, PolyPhen-2, Align-GVGD) all suggest that this variant is likely to be tolerated. ClinVar contains an entry for this variant (Variation ID: 1021548). This variant is present in population databases (rs200189320, gnomAD 0.05%). This sequence change replaces cysteine, which is neutral and slightly polar, with tyrosine, which is neutral and polar, at codon 454 of the CARD9 protein (p.Cys454Tyr).